The following is an entry in ClinVar:

NM_001377.3(DYNC2H1):c.11270A>G (p.Gln3757Arg)

Gene: DYNC2H1 (dynein cytoplasmic 2 heavy chain 1; plus strand). Cytogenetic location: 11q22.3.
Variant type: single nucleotide variant.
Coding change: c.11270A>G on transcript NM_001377.3 (MANE Select); coding-DNA position 11270, A replaced by G.
Protein change: p.Gln3757Arg; replaces glutamine 3757 with arginine.
Molecular consequence: missense variant.
Genome position (GRCh38, 1-based): chr11:103,304,608, A>G. VCF-style: chr11-103304608-A-G. GRCh37 (hg19) VCF-style: chr11-103175337-A-G.
Other names: c.11291A>G, p.Gln3764Arg (NM_001080463.2); short protein forms Q3764R, Q3757R.
Identifiers: ClinVar variation 446580 (VCV000446580.15), dbSNP rs758727391, ClinGen allele CA6255219.
Genomic context (GRCh38, chr11:103,304,608, plus strand): 5'-GTTAGCAGATCTGTTTTTAAATTTTGTTTGTTTTTTTGCTTTTGTAGGTTGCCATGGGTC[A>G]AGGTCAAGCTGATTTAGCAATTCAAATGCTAAAAGAATGTGCCCGCAATGGAGACTGGCT-3'
Protein context (NP_001368.2, residues 3747-3767): GECYHQVAMG[Gln3757Arg]GQADLAIQML

ClinVar aggregate classification (germline): Uncertain significance. Review status: criteria provided, multiple submitters, no conflicts (2 of 4 stars). 6 submissions from 6 submitters: Uncertain significance (4). 2 of the submissions do not count toward it. Last evaluated 2024-09-10.

Conditions:
Jeune thoracic dystrophy. Also called: Jeune syndrome; Infantile thoracic dystrophy; Thoracic pelvic phalangeal dystrophy; Jeune's syndrome; Chondroectodermal dysplasia-like syndrome; Short-rib thoracic dysplasia. Identifiers: Orphanet 474, MedGen C0265275, MONDO:0018770.
Asphyxiating thoracic dystrophy 3. Also called: SHORT-RIB THORACIC DYSPLASIA 3 WITH OR WITHOUT POLYDACTYLY; POLYDACTYLY WITH NEONATAL CHONDRODYSTROPHY, TYPE I; SHORT-RIB THORACIC DYSPLASIA 3/6 WITH POLYDACTYLY, DIGENIC; Short rib polydactyly syndrome 2B; Saldino-Noonan Syndrome. Identifiers: Orphanet 474, Orphanet 93269, Orphanet 93270, Orphanet 93271, MedGen C0036069, MONDO:0013127, OMIM 613091.

Allele frequency attached by ClinVar (database versions not stated): gnomAD 0.00003; gnomAD exomes 0.00005 and 0.00022; TOPMed 0.00011; ExAC 0.00017.
gnomAD v4.1: 68 of 1,612,270 alleles (0.0042%); highest among the groups gnomAD compares: Admixed American, 0.11%; no homozygotes.

Submissions (6):

Women's Health and Genetics/Laboratory Corporation of America, LabCorp
Classification: Uncertain significance. Last evaluated: 2024-09-10. Review status: criteria provided, single submitter. Criteria: LabCorp Variant Classification Summary - May 2015. Collection method: clinical testing. Allele origin: germline.
Comment: Variant summary: DYNC2H1 c.11291A>G (p.Gln3764Arg) results in a conservative amino acid change located in the Dynein heavy chain region D6 P-loop domain (IPR004273) of the encoded protein sequence. Two of three in-silico tools predict a benign effect of the variant on protein function. The variant allele was found at a frequency of 0.00022 in 248048 control chromosomes. This frequency is not significantly higher than estimated for a pathogenic variant in DYNC2H1 causing Short-rib thoracic dysplasia (0.00022 vs 0.0025), allowing no conclusion about variant significance. c.11291A>G has been reported in the literature in an individual diagnosed with asphyxiating thoracic dystrophy (ATD) (Zhang_2018). These report(s) do not provide unequivocal conclusions about association of the variant with Short-rib thoracic dysplasia. To our knowledge, no experimental evidence demonstrating an impact on protein function has been reported. The following publication have been ascertained in the context of this evaluation (PMID: 29068549). ClinVar contains an entry for this variant (Variation ID: 446580). Based on the evidence outlined above, the variant was classified as uncertain significance.

Blueprint Genetics
Classification: Uncertain significance. Last evaluated: 2022-11-03. Review status: criteria provided, single submitter. Criteria: ACMG Guidelines, 2015. Collection method: clinical testing. Allele origin: germline.

Labcorp Genetics (formerly Invitae), Labcorp
Classification: Uncertain significance for Jeune thoracic dystrophy. Last evaluated: 2022-07-12. Review status: criteria provided, single submitter. Criteria: Invitae Variant Classification Sherloc (09022015). Collection method: clinical testing. Allele origin: germline.
Comment: This sequence change replaces glutamine, which is neutral and polar, with arginine, which is basic and polar, at codon 3764 of the DYNC2H1 protein (p.Gln3764Arg). This variant is present in population databases (rs758727391, gnomAD 0.2%). This missense change has been observed in individual(s) with asphyxiating thoracic dystrophy (PMID: 29068549). ClinVar contains an entry for this variant (Variation ID: 446580). Algorithms developed to predict the effect of missense changes on protein structure and function (SIFT, PolyPhen-2, Align-GVGD) all suggest that this variant is likely to be disruptive. In summary, the available evidence is currently insufficient to determine the role of this variant in disease. Therefore, it has been classified as a Variant of Uncertain Significance.

ARUP Laboratories, Molecular Genetics and Genomics, ARUP Laboratories
Classification: Uncertain significance for Asphyxiating thoracic dystrophy 3. Last evaluated: 2021-10-11. Review status: criteria provided, single submitter. Criteria: ARUP Molecular Germline Variant Investigation Process 2021. Collection method: clinical testing. Allele origin: germline.
Comment: The DYNC2H1 c.11291A>G; p.Gln3764Arg variant (rs758727391) is published in the literature in a neonate with asphyxiating thoracic dystrophy who also carried another missense DYNCH2H1 variant on the opposite chromosome (Zhang 2018). The variant is reported in the ClinVar database (Variation ID: 446580) and is found in the Latino population with an allele frequency of 0.155% (53/34,282 alleles) in the Genome Aggregation Database. The glutamine at codon 3764 is highly conserved but computational analyses are uncertain whether this variant is neutral or deleterious (REVEL: 0.555) Due to limited information, the clinical significance of the p.Gln3764Arg variant is uncertain at this time. References: Zhang W et al. Expanding the genetic architecture and phenotypic spectrum in the skeletal ciliopathies. Hum Mutat. 2018 Jan;39(1):152-166. PMID: 29068549.

Dan Cohn Lab, University Of California Los Angeles
Classification: Pathogenic for Asphyxiating thoracic dystrophy. Last evaluated: 2017-06-01. Review status: no assertion criteria provided. Collection method: research. Allele origin: paternal. Affected: yes. Not counted in ClinVar's aggregate classification.

University of Washington Center for Mendelian Genomics, University of Washington
Classification: Likely pathogenic for asphyxiating thoracic dystrophy. Review status: no assertion criteria provided. Collection method: research. Allele origin: inherited. Affected: yes. Not counted in ClinVar's aggregate classification.

Literature cited by the submitters: PubMed 29068549 (cited by 4 submitters).